The following is an entry in ClinVar:

ClinVar aggregate classification (germline): Uncertain significance. Review status: criteria provided, multiple submitters, no conflicts (2 of 4 stars). 2 submissions from 2 submitters: Uncertain significance (2). Last evaluated 2025-08-11.

Conditions:
Joubert syndrome 21 (JBTS21). Identifiers: MedGen C3810212, MONDO:0014288, OMIM 615636.
Inborn genetic diseases. Identifiers: MedGen C0950123, MeSH D030342.

Allele frequency attached by ClinVar (database versions not stated): gnomAD 0.00001; gnomAD exomes 0.00001 and 0.00002; ExAC 0.00002.
gnomAD v4.1: 11 of 1,529,788 alleles (0.00072%); highest among the groups gnomAD compares: East Asian, 0.0069%; no homozygotes.

Submissions (2):

Ambry Genetics
Classification: Uncertain significance for Inborn genetic diseases. Last evaluated: 2025-08-11. Review status: criteria provided, single submitter. Criteria: Ambry Variant Classification Scheme 2023. Collection method: clinical testing. Allele origin: germline.

Labcorp Genetics (formerly Invitae), Labcorp
Classification: Uncertain significance for Joubert syndrome 21. Last evaluated: 2022-03-09. Review status: criteria provided, single submitter. Criteria: Invitae Variant Classification Sherloc (09022015). Collection method: clinical testing. Allele origin: germline.
Comment: This sequence change replaces arginine, which is basic and polar, with cysteine, which is neutral and slightly polar, at codon 616 of the CSPP1 protein (p.Arg616Cys). The frequency data for this variant in the population databases is considered unreliable, as metrics indicate poor data quality at this position in the gnomAD database. This variant has not been reported in the literature in individuals affected with CSPP1-related conditions. Algorithms developed to predict the effect of missense changes on protein structure and function (SIFT, PolyPhen-2, Align-GVGD) all suggest that this variant is likely to be disruptive. In summary, the available evidence is currently insufficient to determine the role of this variant in disease. Therefore, it has been classified as a Variant of Uncertain Significance.

NM_001382391.1(CSPP1):c.1861C>T (p.Arg621Cys)

Gene: CSPP1 (centrosome and spindle pole associated protein 1; plus strand). Cytogenetic location: 8q13.2.
Variant type: single nucleotide variant.
Coding change: c.1861C>T on transcript NM_001382391.1 (MANE Select); coding-DNA position 1861, C replaced by T.
Protein change: p.Arg621Cys; replaces arginine 621 with cysteine.
Molecular consequence: missense variant.
Genome position (GRCh38, 1-based): chr8:67,137,489, C>T. VCF-style: chr8-67137489-C-T. GRCh37 (hg19) VCF-style: chr8-68049724-C-T.
Other names: c.964C>T, p.Arg322Cys (NM_001291339.2); c.1780C>T, p.Arg594Cys (NM_001363131.2); c.1819C>T, p.Arg607Cys (NM_001363132.2); c.1738C>T, p.Arg580Cys (NM_001363133.2); c.1927C>T, p.Arg643Cys (NM_001364869.1); c.1747C>T, p.Arg583Cys (NM_001364870.1); c.1846C>T, p.Arg616Cys (NM_024790.7); short protein forms R580C, R594C, R607C, R583C, R621C, R643C, R322C, R616C.
Identifiers: ClinVar variation 1354520 (VCV001354520.4), dbSNP rs760288983, ClinGen allele CA4770683.
Genomic context (GRCh38, chr8:67,137,489, plus strand): 5'-ATTTTAAATATATCTTATGTTGTCAAGATTCGGGAAAGAGAAGAAAGAAGGAAGAAAGAA[C>T]GTGAAGAAAAAGAAGAATATGAAGCTAAATTAGAAGCTGAAATGAGAACATATAATCCCT-3'
Protein context (NP_001369320.1, residues 611-631): REREERRKKE[Arg621Cys]EEKEEYEAKL